The following is an entry in ClinVar:

ClinVar aggregate classification (germline): Uncertain significance (1 of 4 stars; one submission).

Conditions:
Diamond-Blackfan anemia. Also called: Blackfan Diamond syndrome; Aregenerative anemia chronic congenital; Red cell aplasia, pure hereditary; Congenital hypoplastic anemia; Aase syndrome. Identifiers: Orphanet 124, MedGen C1260899, MeSH D029503, MONDO:0015253, HP:0004810.

gnomAD v4.1: 2 of 1,614,140 alleles (0.00012%); highest among the groups gnomAD compares: Non-Finnish European, 0.00017%; no homozygotes.

Submission:

Labcorp Genetics (formerly Invitae), Labcorp
Classification: Uncertain significance for Diamond-Blackfan anemia. Last evaluated: 2025-09-03. Review status: criteria provided, single submitter. Criteria: Invitae Variant Classification Sherloc (09022015). Collection method: clinical testing. Allele origin: germline.
Comment: This sequence change falls in intron 1 of the RPL5 gene. It does not directly change the encoded amino acid sequence of the RPL5 protein. It affects a nucleotide within the consensus splice site. This variant is not present in population databases (gnomAD no frequency). This variant has not been reported in the literature in individuals affected with RPL5-related conditions. ClinVar contains an entry for this variant (Variation ID: 1911206). Variants that disrupt the consensus splice site are a relatively common cause of aberrant splicing (PMID: 17576681, 9536098). Algorithms developed to predict the effect of sequence changes on RNA splicing suggest that this variant is not likely to affect RNA splicing. In summary, the available evidence is currently insufficient to determine the role of this variant in disease. Therefore, it has been classified as a Variant of Uncertain Significance.

Literature cited by the submitters: PubMed 17576681; PubMed 9536098.

NM_000969.5(RPL5):c.3+3G>A

Gene: RPL5 (ribosomal protein L5; plus strand). Cytogenetic location: 1p22.1.
Variant type: single nucleotide variant.
Coding change: c.3+3G>A on transcript NM_000969.5 (MANE Select); 3 bases into the intron after coding-DNA position 3, G replaced by A.
Molecular consequence: intron variant.
Genome position (GRCh38, 1-based): chr1:92,832,120, G>A. VCF-style: chr1-92832120-G-A. GRCh37 (hg19) VCF-style: chr1-93297677-G-A.
Identifiers: ClinVar variation 1911206 (VCV001911206.5), dbSNP rs200628272, ClinGen allele CA26755661.